The following is an entry in ClinVar:

ClinVar aggregate classification (germline): Benign. Review status: criteria provided, multiple submitters, no conflicts (2 of 4 stars). 9 submissions from 9 submitters: Benign (9). Last evaluated 2026-02-04.

Conditions:
Brugada syndrome. Also called: Sudden unexplained nocturnal death syndrome; Sudden Unexplained Death Syndrome; Sudden Unexplained Nocturnal Death Syndrome (SUNDS); Sudden unexpected nocturnal death syndrome. Identifiers: Orphanet 130, MedGen C1142166, MONDO:0015263.
Cardiovascular phenotype. Identifiers: MedGen CN230736.
Episodic pain syndrome, familial, 2 (FEPS2). Identifiers: Orphanet 306577, MedGen C3809893, MONDO:0014246, OMIM 615551.
Brugada syndrome 1 (BRGDA1). Also called: RIGHT BUNDLE BRANCH BLOCK, ST SEGMENT ELEVATION, AND SUDDEN DEATH SYNDROME. Identifiers: Orphanet 130, MedGen C4551804, MONDO:0011001, OMIM 601144.

Allele frequency attached by ClinVar (database versions not stated): 1000 Genomes Project 1.00000; 1000 Genomes Project 30x 1.00000; ExAC 1.00000; gnomAD 1.00000; gnomAD exomes 1.00000; TOPMed 1.00000.

Submissions (9):

Labcorp Genetics (formerly Invitae), Labcorp
Classification: Benign for Brugada syndrome. Last evaluated: 2026-02-04. Review status: criteria provided, single submitter. Criteria: Invitae Variant Classification Sherloc (09022015). Collection method: clinical testing. Allele origin: germline.

Blueprint Genetics
Classification: Benign. Last evaluated: 2024-11-26. Review status: criteria provided, single submitter. Criteria: ACMG Guidelines, 2015. Collection method: clinical testing. Allele origin: germline.

Women's Health and Genetics/Laboratory Corporation of America, LabCorp
Classification: Benign. Last evaluated: 2023-04-04. Review status: criteria provided, single submitter. Criteria: LabCorp Variant Classification Summary - May 2015. Collection method: clinical testing. Allele origin: germline.

Genome-Nilou Lab
Classification: Benign for Episodic pain syndrome, familial, 2. Last evaluated: 2021-07-15. Review status: criteria provided, single submitter. Criteria: ACMG Guidelines, 2015. Collection method: clinical testing. Allele origin: germline. Affected: no.

Mendelics
Classification: Benign for Brugada syndrome 1. Last evaluated: 2019-05-28. Review status: criteria provided, single submitter. Criteria: Mendelics Assertion Criteria 2017. Collection method: clinical testing. Allele origin: unknown.

Ambry Genetics
Classification: Benign for Cardiovascular phenotype. Last evaluated: 2018-12-03. Review status: criteria provided, single submitter. Criteria: Ambry Variant Classification Scheme 2023. Collection method: clinical testing. Allele origin: germline.

GeneDx
Classification: Benign. Last evaluated: 2016-09-06. Review status: criteria provided, single submitter. Criteria: GeneDx Variant Classification (06012015). Collection method: clinical testing. Allele origin: germline. Affected: yes.
Comment: This variant is considered likely benign or benign based on one or more of the following criteria: it is a conservative change, it occurs at a poorly conserved position in the protein, it is predicted to be benign by multiple in silico algorithms, and/or has population frequency not consistent with disease.

Breakthrough Genomics
Classification: Benign. Review status: criteria provided, single submitter. Criteria: ACMG Guidelines, 2015. Collection method: not provided. Allele origin: germline. Inheritance: Autosomal dominant inheritance. Affected: yes.

PreventionGenetics, part of Exact Sciences
Classification: Benign. Review status: criteria provided, single submitter. Criteria: ACMG Guidelines, 2015. Collection method: clinical testing. Allele origin: germline.

NM_006514.4(SCN10A):c.5137A>G (p.Met1713Val)

Gene: SCN10A (sodium voltage-gated channel alpha subunit 10; minus strand). Cytogenetic location: 3p22.2.
Variant type: single nucleotide variant.
Coding change: c.5137A>G on transcript NM_006514.4 (MANE Select); coding-DNA position 5137, A replaced by G.
Protein change: p.Met1713Val; replaces methionine 1713 with valine.
Molecular consequence: missense variant. On other transcripts: no sequence alteration (2).
Genome position (GRCh38, 1-based): chr3:38,698,083, T>C on the plus strand (A>G on the coding strand, the complement: SCN10A is on the minus strand). VCF-style: chr3-38698083-T-C. GRCh37 (hg19) VCF-style: chr3-38739574-T-C.
Other names: c.5137G>G (NM_006514.3); c.5134=, p.Val1712= (NM_001293306.2); c.4843=, p.Val1615= (NM_001293307.2); short protein forms M1713V.
Identifiers: ClinVar variation 259999 (VCV000259999.17), dbSNP rs6599241, ClinGen allele CA2319731.